The following is an entry in ClinVar:

ClinVar aggregate classification (germline): Uncertain significance (1 of 4 stars; one submission).

Conditions:
Alstrom syndrome (ALMS). Identifiers: Orphanet 64, MedGen C0268425, MONDO:0008763, OMIM 203800.

Allele frequency attached by ClinVar (database versions not stated): gnomAD exomes 0.00002.
gnomAD v4.1: 11 of 1,614,038 alleles (0.00068%); highest among the groups gnomAD compares: Admixed American, 0.005%; no homozygotes.

Submission:

Labcorp Genetics (formerly Invitae), Labcorp
Classification: Uncertain significance for Alstrom syndrome. Last evaluated: 2025-04-27. Review status: criteria provided, single submitter. Criteria: Invitae Variant Classification Sherloc (09022015). Collection method: clinical testing. Allele origin: germline.
Comment: This sequence change replaces histidine, which is basic and polar, with arginine, which is basic and polar, at codon 783 of the ALMS1 protein (p.His783Arg). This variant is present in population databases (rs549457439, gnomAD 0.009%). This variant has not been reported in the literature in individuals affected with ALMS1-related conditions. ClinVar contains an entry for this variant (Variation ID: 1431915). An algorithm developed to predict the effect of missense changes on protein structure and function outputs the following: PolyPhen-2: "Not Available". The arginine amino acid residue is found in multiple mammalian species, which suggests that this missense change does not adversely affect protein function. In summary, the available evidence is currently insufficient to determine the role of this variant in disease. Therefore, it has been classified as a Variant of Uncertain Significance.

NM_001378454.1(ALMS1):c.2345A>G (p.His782Arg)

Gene: ALMS1 (ALMS1 centrosome and basal body associated protein; plus strand). Cytogenetic location: 2p13.1.
Variant type: single nucleotide variant.
Coding change: c.2345A>G on transcript NM_001378454.1 (MANE Select); coding-DNA position 2345, A replaced by G.
Protein change: p.His782Arg; replaces histidine 782 with arginine.
Molecular consequence: missense variant.
Genome position (GRCh38, 1-based): chr2:73,448,872, A>G. VCF-style: chr2-73448872-A-G. GRCh37 (hg19) VCF-style: chr2-73675999-A-G.
Other names: c.2348A>G, p.His783Arg (NM_015120.4); short protein forms H782R, H783R.
Identifiers: ClinVar variation 1431915 (VCV001431915.4), dbSNP rs549457439, ClinGen allele CA50391550.
Genomic context (GRCh38, chr2:73,448,872, plus strand): 5'-GTTCTTACTCACAAAGAGAAAAGCCTAGTATTTTGTACCCACAGGACTTAGCAGACAGTC[A>G]TCTACCTGAAGAGGGTCTGAAAGTTTCAGCTGTTGCTGGACCAGCTGACCAGAAGACTGG-3'
Protein context (NP_001365383.1, residues 772-792): ILYPQDLADS[His782Arg]LPEEGLKVSA